The following is an entry in ClinVar:

NM_015506.3(MMACHC):c.631C>A (p.Pro211Thr)

Genes: MMACHC (metabolism of cobalamin associated C; plus strand), LOC129930446 (ATAC-STARR-seq lymphoblastoid active region 972; plus strand). Cytogenetic location: 1p34.1.
Variant type: single nucleotide variant.
Coding change: c.631C>A on transcript NM_015506.3 (MANE Select); coding-DNA position 631, C replaced by A.
Protein change: p.Pro211Thr; replaces proline 211 with threonine.
Molecular consequence: missense variant.
Genome position (GRCh38, 1-based): chr1:45,508,997, C>A. VCF-style: chr1-45508997-C-A. GRCh37 (hg19) VCF-style: chr1-45974669-C-A.
Other names: p.Pro211Thr; c.460C>A, p.Pro154Thr (NM_001330540.2); c.631C>A (NM_015506.2); short protein forms P154T, P211T.
Identifiers: ClinVar variation 2076119 (VCV002076119.6), dbSNP rs192924272, ClinGen allele CA827813.
Genomic context (GRCh38, chr1:45,508,997, plus strand): 5'-GCCCTACTCGAAGGCTTCAATTTCCACTGGCGTGATTGGACTTACCGGGATGCTGTGACA[C>A]CCCAGGAGCGCTACTCAGAAGAGCAGAAGGCCTACTTCTCCACTCCACCTGCCCAACGAT-3'
Protein context (NP_056321.2, residues 201-221): RDWTYRDAVT[Pro211Thr]QERYSEEQKA

ClinVar aggregate classification (germline): Conflicting classifications of pathogenicity. Review status: criteria provided, conflicting classifications (1 of 4 stars). 5 submissions from 5 submitters: Uncertain significance (4); Likely benign (1). Last evaluated 2024-05-03.

Conditions:
Cobalamin C disease. Also called: Methylmalonic aciduria with homocystinuria cblC type; Cobalamin-C methylmalonic acidemia and homocystinuria; Methylmalonic acidemia and homocystinuria cblC type; Methylmalonic aciduria and homocystinuria, Vitamin B12-responsive; Vitamin B12 metabolic defect with combined deficiency of methylmalonyl-CoA mutase and homocysteine:methyltetrahydrofolate methyltransferase; methylmalonic aciduria and homocystinuria type cblC. Identifiers: Orphanet 26, Orphanet 79282, MedGen C1848561, MONDO:0010184, OMIM 277400.

Allele frequency attached by ClinVar (database versions not stated): ExAC 0.00012; TOPMed 0.00034; gnomAD 0.00041; 1000 Genomes Project 0.00080; 1000 Genomes Project 30x 0.00094.
gnomAD v4.1: 118 of 1,614,156 alleles (0.0073%); highest among the groups gnomAD compares: African/African-American, 0.13%; 3 homozygotes.

Submissions (5):

Mayo Clinic Laboratories, Mayo Clinic
Classification: Uncertain significance. Last evaluated: 2024-05-03. Review status: criteria provided, single submitter. Criteria: ACMG Guidelines, 2015. Collection method: clinical testing. Allele origin: germline. Observed: 1 variant allele.

Fulgent Genetics
Classification: Likely benign for Cobalamin C disease. Last evaluated: 2024-03-13. Review status: criteria provided, single submitter. Criteria: ACMG Guidelines, 2015. Collection method: clinical testing. Allele origin: germline.

Genome-Nilou Lab
Classification: Uncertain significance for Cobalamin C disease. Last evaluated: 2023-04-11. Review status: criteria provided, single submitter. Criteria: ACMG Guidelines, 2015. Collection method: clinical testing. Allele origin: germline. Affected: no.

Labcorp Genetics (formerly Invitae), Labcorp
Classification: Uncertain significance for Cobalamin C disease. Last evaluated: 2022-09-27. Review status: criteria provided, single submitter. Criteria: Invitae Variant Classification Sherloc (09022015). Collection method: clinical testing. Allele origin: germline.
Comment: This sequence change replaces proline, which is neutral and non-polar, with threonine, which is neutral and polar, at codon 211 of the MMACHC protein (p.Pro211Thr). This variant is present in population databases (rs192924272, gnomAD 0.1%). This variant has not been reported in the literature in individuals affected with MMACHC-related conditions. Advanced modeling of protein sequence and biophysical properties (such as structural, functional, and spatial information, amino acid conservation, physicochemical variation, residue mobility, and thermodynamic stability) has been performed at Invitae for this missense variant, however the output from this modeling did not meet the statistical confidence thresholds required to predict the impact of this variant on MMACHC protein function. In summary, the available evidence is currently insufficient to determine the role of this variant in disease. Therefore, it has been classified as a Variant of Uncertain Significance.

GeneDx
Classification: Uncertain significance. Last evaluated: 2022-07-28. Review status: criteria provided, single submitter. Criteria: GeneDx Variant Classification Process June 2021. Collection method: clinical testing. Allele origin: germline. Affected: yes.
Comment: In silico analysis supports that this missense variant does not alter protein structure/function; Has not been previously published as pathogenic or benign to our knowledge